The following is an entry in ClinVar:

ClinVar aggregate classification (germline): Uncertain significance (1 of 4 stars; one submission).

Conditions:
Alkaptonuria (AKU). Also called: Homogentisic acidura; Alkaptonuric ochronosis; Alcaptonuria; HOMOGENTISIC ACID OXIDASE DEFICIENCY. Identifiers: Orphanet 56, MedGen C0002066, MONDO:0008753, OMIM 203500.

gnomAD v4.1: 3 of 1,614,078 alleles (0.00019%); highest among the groups gnomAD compares: Non-Finnish European, 0.00025%; no homozygotes.

Submission:

Labcorp Genetics (formerly Invitae), Labcorp
Classification: Uncertain significance for Alkaptonuria. Last evaluated: 2024-10-24. Review status: criteria provided, single submitter. Criteria: Invitae Variant Classification Sherloc (09022015). Collection method: clinical testing. Allele origin: germline.
Comment: This sequence change replaces glutamine, which is neutral and polar, with proline, which is neutral and non-polar, at codon 354 of the HGD protein (p.Gln354Pro). This variant is not present in population databases (gnomAD no frequency). This variant has not been reported in the literature in individuals affected with HGD-related conditions. Invitae Evidence Modeling of protein sequence and biophysical properties (such as structural, functional, and spatial information, amino acid conservation, physicochemical variation, residue mobility, and thermodynamic stability) indicates that this missense variant is not expected to disrupt HGD protein function with a negative predictive value of 95%. In summary, the available evidence is currently insufficient to determine the role of this variant in disease. Therefore, it has been classified as a Variant of Uncertain Significance.

NM_000187.4(HGD):c.1061A>C (p.Gln354Pro)

Gene: HGD (homogentisate 1,2-dioxygenase; minus strand). Cytogenetic location: 3q13.33.
Variant type: single nucleotide variant.
Coding change: c.1061A>C on transcript NM_000187.4 (MANE Select); coding-DNA position 1061, A replaced by C.
Protein change: p.Gln354Pro; replaces glutamine 354 with proline.
Molecular consequence: missense variant.
Genome position (GRCh38, 1-based): chr3:120,633,274, T>G on the plus strand (A>C on the coding strand, the complement: HGD is on the minus strand). VCF-style: chr3-120633274-T-G. GRCh37 (hg19) VCF-style: chr3-120352121-T-G.
Other names: short protein forms Q354P.
Identifiers: ClinVar variation 2895160 (VCV002895160.3), dbSNP rs1940648871, ClinGen allele CA354072917.